The following is an entry in ClinVar:

ClinVar aggregate classification (germline): Likely benign (1 of 4 stars; one submission).

Allele frequency attached by ClinVar (database versions not stated): TOPMed below 0.00001.

Submission:

CeGaT Center for Human Genetics Tuebingen
Classification: Likely benign. Last evaluated: 2022-07-01. Review status: criteria provided, single submitter. Criteria: CeGaT Center For Human Genetics Tuebingen Variant Classification Criteria Version 2. Collection method: clinical testing. Allele origin: germline. Affected: yes. Observed: 1 variant allele.
Comment: FBXO11: PM2:Supporting, BP4, BP7

NM_001190274.2(FBXO11):c.909A>G (p.Glu303=)

Gene: FBXO11 (F-box protein 11; minus strand). Cytogenetic location: 2p16.3.
Variant type: single nucleotide variant.
Coding change: c.909A>G on transcript NM_001190274.2 (MANE Select); coding-DNA position 909, A replaced by G.
Protein change: p.Glu303=; no amino-acid change (glutamic acid 303 retained).
Molecular consequence: synonymous variant.
Genome position (GRCh38, 1-based): chr2:47,834,604, T>C on the plus strand (A>G on the coding strand, the complement: FBXO11 is on the minus strand). VCF-style: chr2-47834604-T-C. GRCh37 (hg19) VCF-style: chr2-48061743-T-C.
Other names: c.657A>G, p.Glu219= (NM_001374325.1, NM_025133.4).
Identifiers: ClinVar variation 2650887 (VCV002650887.24), dbSNP rs1672420228, ClinGen allele CA426127785.
Genomic context (GRCh38, chr2:47,834,604, plus strand): 5'-TATTAAAATTTTAATGACAATGCATTTCAAAATACCTGCACCAATCATGGTGATTGGAGA[T>C]TCAATATATATCCATTCATCAGTATATATTCCAGAATGAACAAAGATAAGTCCATCAAAA-3'
Protein context (NP_001177203.1, residues 293-313): GIYTDEWIYI[Glu303=]SPITMIGAAP